The following is an entry in ClinVar:

ClinVar aggregate classification (germline): Likely benign (0 of 4 stars; one submission).

Conditions:
C10orf55-related disorder. Also called: C10orf55-related condition.

gnomAD v4.1: 1 of 1,614,118 alleles (0.000062%); highest among the groups gnomAD compares: Admixed American, 0.0017%; no homozygotes.

Submission:

PreventionGenetics, part of Exact Sciences
Classification: Likely benign for C10orf55-related condition. Last evaluated: 2021-05-17. Review status: no assertion criteria provided. Collection method: clinical testing. Allele origin: germline.
Comment: This variant is classified as likely benign based on ACMG/AMP sequence variant interpretation guidelines (Richards et al. 2015 PMID: 25741868, with internal and published modifications).

NR_160937.1(C10orf55):n.499C>A

Genes: C10orf55 (chromosome 10 putative open reading frame 55; minus strand), PLAU (plasminogen activator, urokinase; plus strand). Cytogenetic location: 10q22.2.
Variant type: single nucleotide variant.
Molecular consequence: synonymous variant (on NM_002658.6). On other transcripts: non-coding transcript variant (2), 5 prime UTR variant (1).
Genome position: GRCh38 VCF-style: chr10-73912216-G-T. GRCh37 (hg19) VCF-style: chr10-75671974-G-T.
Other names: NM_001001791.2:c.29C>A; c.36G>T, p.Ala12= (NM_001145031.3); c.-172G>T (NM_001319191.2); c.87G>T, p.Ser29= (NM_002658.6).
Identifiers: ClinVar variation 3060083 (VCV003060083.2), dbSNP rs774129403, ClinGen allele CA5562329.